The following is an entry in ClinVar:

ClinVar aggregate classification (germline): Uncertain significance (1 of 4 stars; one submission).

Conditions:
Fanconi anemia (FA). Also called: Fanconi's anemia. Identifiers: Orphanet 84, MedGen C0015625, MeSH D005199, MONDO:0019391.

Submission:

Labcorp Genetics (formerly Invitae), Labcorp
Classification: Uncertain significance for Fanconi anemia. Last evaluated: 2020-06-04. Review status: criteria provided, single submitter. Criteria: Invitae Variant Classification Sherloc (09022015). Collection method: clinical testing. Allele origin: germline.
Comment: In summary, the available evidence is currently insufficient to determine the role of this variant in disease. Therefore, it has been classified as a Variant of Uncertain Significance. Nucleotide substitutions within the consensus splice site are a relatively common cause of aberrant splicing (PMID: 17576681, 9536098). Algorithms developed to predict the effect of sequence changes on RNA splicing suggest that this variant is not likely to affect RNA splicing, but this prediction has not been confirmed by published transcriptional studies. This variant has not been reported in the literature in individuals with FANCG-related conditions. This variant is not present in population databases (ExAC no frequency). This sequence change falls in intron 11 of the FANCG gene. It does not directly change the encoded amino acid sequence of the FANCG protein, but it affects a nucleotide within the consensus splice site of the intron.

Literature cited by the submitters: PubMed 17576681; PubMed 9536098.

NM_004629.2(FANCG):c.1480+5T>C

Gene: FANCG (FA complementation group G; minus strand). Cytogenetic location: 9p13.3.
Variant type: single nucleotide variant.
Coding change: c.1480+5T>C on transcript NM_004629.2 (MANE Select); 5 bases into the intron after coding-DNA position 1480, T replaced by C.
Molecular consequence: intron variant.
Genome position (GRCh38, 1-based): chr9:35,075,274, A>G on the plus strand (T>C on the coding strand, the complement: FANCG is on the minus strand). VCF-style: chr9-35075274-A-G. GRCh37 (hg19) VCF-style: chr9-35075271-A-G.
Identifiers: ClinVar variation 1054396 (VCV001054396.9), dbSNP rs1554670176, ClinGen allele CA2499219876.